The following is an entry in ClinVar:

ClinVar aggregate classification (germline): Likely benign (1 of 4 stars; one submission).

Allele frequency attached by ClinVar (database versions not stated): 1000 Genomes Project 30x 0.00156; 1000 Genomes Project 0.00160; ESP Exome Variant Server 0.00205; gnomAD 0.00282; TOPMed 0.00368.
gnomAD v4.1: 1,373 of 1,592,854 alleles (0.086%); highest among the groups gnomAD compares: African/African-American, 0.86%; 6 homozygotes.

Submission:

CeGaT Center for Human Genetics Tuebingen
Classification: Likely benign. Last evaluated: 2023-03-01. Review status: criteria provided, single submitter. Criteria: CeGaT Center For Human Genetics Tuebingen Variant Classification Criteria Version 2. Collection method: clinical testing. Allele origin: germline. Affected: yes. Observed: 1 variant allele.
Comment: FAM8A1: BP4, BP7

NM_016255.3(FAM8A1):c.546C>T (p.Ala182=)

Gene: FAM8A1 (family with sequence similarity 8 member A1; plus strand). Cytogenetic location: 6p22.3.
Variant type: single nucleotide variant.
Coding change: c.546C>T on transcript NM_016255.3 (MANE Select); coding-DNA position 546, C replaced by T.
Protein change: p.Ala182=; no amino-acid change (alanine 182 retained).
Molecular consequence: synonymous variant.
Genome position (GRCh38, 1-based): chr6:17,600,955, C>T. VCF-style: chr6-17600955-C-T. GRCh37 (hg19) VCF-style: chr6-17601186-C-T.
Identifiers: ClinVar variation 2656256 (VCV002656256.24), dbSNP rs374944606, ClinGen allele CA3646669.